The following is an entry in ClinVar:

ClinVar aggregate classification (germline): Conflicting classifications of pathogenicity. Review status: criteria provided, conflicting classifications (1 of 4 stars). 2 submissions from 2 submitters: Uncertain significance (1); Likely benign (1). Last evaluated 2022-06-01.

Conditions:
Retinitis pigmentosa (RP). Identifiers: Orphanet 791, MedGen C0035334, MeSH D012174, MONDO:0019200, OMIM 268000. Inheritance: Autosomal dominant, autosomal recessive and X linked inheritance.

Allele frequency attached by ClinVar (database versions not stated): gnomAD exomes 0.00002 and 0.00006; gnomAD 0.00028 and 0.00027; TOPMed 0.00040; ExAC 0.00009; ESP Exome Variant Server 0.00054.
gnomAD v4.1: 78 of 1,596,742 alleles (0.0049%); highest among the groups gnomAD compares: African/African-American, 0.091%; no homozygotes.

Submissions (2):

CeGaT Center for Human Genetics Tuebingen
Classification: Likely benign. Last evaluated: 2022-06-01. Review status: criteria provided, single submitter. Criteria: CeGaT Center For Human Genetics Tuebingen Variant Classification Criteria Version 2. Collection method: clinical testing. Allele origin: germline. Affected: yes. Observed: 1 variant allele.
Comment: KLHL7: BS2

Illumina Laboratory Services, Illumina
Classification: Uncertain significance for Retinitis pigmentosa. Last evaluated: 2018-01-13. Review status: criteria provided, single submitter. Criteria: ICSL Variant Classification Criteria 13 December 2019. Collection method: clinical testing. Allele origin: germline.

NM_001031710.3(KLHL7):c.*24T>C

Gene: KLHL7 (kelch like family member 7; plus strand). Cytogenetic location: 7p15.3.
Variant type: single nucleotide variant.
Coding change: c.*24T>C on transcript NM_001031710.3 (MANE Select); 24 bases downstream of the stop codon, T replaced by C.
Molecular consequence: 3 prime UTR variant. On other transcripts: non-coding transcript variant (1).
Genome position (GRCh38, 1-based): chr7:23,174,322, T>C. VCF-style: chr7-23174322-T-C. GRCh37 (hg19) VCF-style: chr7-23213941-T-C.
Other names: c.*24T>C (NM_018846.5).
Identifiers: ClinVar variation 908274 (VCV000908274.28), dbSNP rs373590982, ClinGen allele CA4186678.